The following is an entry in ClinVar:

NM_006767.4(LZTR1):c.1300G>C (p.Gly434Arg)

Gene: LZTR1 (leucine zipper like post translational regulator 1; plus strand). Cytogenetic location: 22q11.21.
Variant type: single nucleotide variant.
Coding change: c.1300G>C on transcript NM_006767.4 (MANE Select); coding-DNA position 1300, G replaced by C.
Protein change: p.Gly434Arg; replaces glycine 434 with arginine.
Molecular consequence: missense variant.
Genome position (GRCh38, 1-based): chr22:20,993,701, G>C. VCF-style: chr22-20993701-G-C. GRCh37 (hg19) VCF-style: chr22-21347990-G-C.
Other names: short protein forms G434R.
Identifiers: ClinVar variation 2839471 (VCV002839471.3), dbSNP rs749506086, ClinGen allele CA410774455.

ClinVar aggregate classification (germline): Uncertain significance (1 of 4 stars; one submission).

Submission:

Labcorp Genetics (formerly Invitae), Labcorp
Classification: Uncertain significance. Last evaluated: 2023-08-03. Review status: criteria provided, single submitter. Criteria: Invitae Variant Classification Sherloc (09022015). Collection method: clinical testing. Allele origin: germline.
Comment: This sequence change replaces glycine, which is neutral and non-polar, with arginine, which is basic and polar, at codon 434 of the LZTR1 protein (p.Gly434Arg). This variant is not present in population databases (gnomAD no frequency). This variant has not been reported in the literature in individuals affected with LZTR1-related conditions. Advanced modeling of protein sequence and biophysical properties (such as structural, functional, and spatial information, amino acid conservation, physicochemical variation, residue mobility, and thermodynamic stability) performed at Invitae indicates that this missense variant is not expected to disrupt LZTR1 protein function. In summary, the available evidence is currently insufficient to determine the role of this variant in disease. Therefore, it has been classified as a Variant of Uncertain Significance.